The following is an entry in ClinVar:

NM_000093.5(COL5A1):c.364G>C (p.Glu122Gln)

Gene: COL5A1 (collagen type V alpha 1 chain; plus strand). Cytogenetic location: 9q34.3.
Variant type: single nucleotide variant.
Coding change: c.364G>C on transcript NM_000093.5 (MANE Select); coding-DNA position 364, G replaced by C.
Protein change: p.Glu122Gln; replaces glutamic acid 122 with glutamine.
Molecular consequence: missense variant.
Genome position (GRCh38, 1-based): chr9:134,699,995, G>C. VCF-style: chr9-134699995-G-C. GRCh37 (hg19) VCF-style: chr9-137591841-G-C.
Other names: c.364G>C, p.Glu122Gln (NM_001278074.1); short protein forms E122Q.
Identifiers: ClinVar variation 1004453 (VCV001004453.10), dbSNP rs1588448757, ClinGen allele CA375442806.

ClinVar aggregate classification (germline): Uncertain significance (1 of 4 stars; one submission).

Conditions:
Ehlers-Danlos syndrome, classic type, 1 (EDSCL1). Also called: EHLERS-DANLOS SYNDROME, GRAVIS TYPE; EHLERS-DANLOS SYNDROME, SEVERE CLASSIC TYPE; EDS I; Ehlers-Danlos Syndrome, Classic Type, COL5A1-Related; Ehlers-Danlos syndrome, type 1. Identifiers: MedGen C0268335, MONDO:0019567, OMIM 130000.

Submission:

Labcorp Genetics (formerly Invitae), Labcorp
Classification: Uncertain significance for Ehlers-Danlos syndrome, classic type, 1. Last evaluated: 2022-06-20. Review status: criteria provided, single submitter. Criteria: Invitae Variant Classification Sherloc (09022015). Collection method: clinical testing. Allele origin: germline.
Comment: In summary, the available evidence is currently insufficient to determine the role of this variant in disease. Therefore, it has been classified as a Variant of Uncertain Significance. Advanced modeling of protein sequence and biophysical properties (such as structural, functional, and spatial information, amino acid conservation, physicochemical variation, residue mobility, and thermodynamic stability) performed at Invitae indicates that this missense variant is not expected to disrupt COL5A1 protein function. ClinVar contains an entry for this variant (Variation ID: 1004453). This variant has not been reported in the literature in individuals affected with COL5A1-related conditions. This variant is not present in population databases (gnomAD no frequency). This sequence change replaces glutamic acid, which is acidic and polar, with glutamine, which is neutral and polar, at codon 122 of the COL5A1 protein (p.Glu122Gln).